The following is an entry in ClinVar:

ClinVar aggregate classification (germline): Uncertain significance (1 of 4 stars; one submission).

Conditions:
Cardiovascular phenotype. Identifiers: MedGen CN230736.

Allele frequency attached by ClinVar (database versions not stated): gnomAD exomes below 0.00001; ExAC 0.00001.

Submission:

Ambry Genetics
Classification: Uncertain significance for Cardiovascular phenotype. Last evaluated: 2023-09-28. Review status: criteria provided, single submitter. Criteria: Ambry Variant Classification Scheme 2023. Collection method: clinical testing. Allele origin: germline.
Comment: The p.E392K variant (also known as c.1174G>A), located in coding exon 11 of the ACTN2 gene, results from a G to A substitution at nucleotide position 1174. The glutamic acid at codon 392 is replaced by lysine, an amino acid with similar properties. This amino acid position is conserved. In addition, this alteration is predicted to be deleterious by in silico analysis. Since supporting evidence is limited at this time, the clinical significance of this alteration remains unclear.

NM_001103.4(ACTN2):c.1174G>A (p.Glu392Lys)

Gene: ACTN2 (actinin alpha 2; plus strand). Cytogenetic location: 1q43.
Variant type: single nucleotide variant.
Coding change: c.1174G>A on transcript NM_001103.4 (MANE Select); coding-DNA position 1174, G replaced by A.
Protein change: p.Glu392Lys; replaces glutamic acid 392 with lysine.
Molecular consequence: missense variant. On other transcripts: non-coding transcript variant (1).
Genome position (GRCh38, 1-based): chr1:236,742,962, G>A. VCF-style: chr1-236742962-G-A. GRCh37 (hg19) VCF-style: chr1-236906262-G-A.
Other names: c.1174G>A, p.Glu392Lys (NM_001278343.2); c.550G>A, p.Glu184Lys (NM_001278344.2); c.424G>A, p.Glu142Lys (NM_001412150.1); short protein forms E142K, E184K, E392K.
Identifiers: ClinVar variation 3232703 (VCV003232703.1), dbSNP rs778538969, ClinGen allele CA1473071.